The following is an entry in ClinVar:

NM_032043.3(BRIP1):c.2112A>C (p.Leu704Phe)

Gene: BRIP1 (BRCA1 interacting DNA helicase 1; minus strand). Cytogenetic location: 17q23.2.
Variant type: single nucleotide variant.
Coding change: c.2112A>C on transcript NM_032043.3 (MANE Select); coding-DNA position 2112, A replaced by C.
Protein change: p.Leu704Phe; replaces leucine 704 with phenylalanine.
Molecular consequence: missense variant.
Genome position (GRCh38, 1-based): chr17:61,744,577, T>G on the plus strand (A>C on the coding strand, the complement: BRIP1 is on the minus strand). VCF-style: chr17-61744577-T-G. GRCh37 (hg19) VCF-style: chr17-59821938-T-G.
Other names: short protein forms L704F.
Identifiers: ClinVar variation 1786125 (VCV001786125.2), dbSNP rs2144701191, ClinGen allele CA400483359.
Genomic context (GRCh38, chr17:61,744,577, plus strand): 5'-AATGACTGTCTTCACCAACTCCAGATTATGCCATAAACCAGTAGAGAGCCAACGTTCTTT[T>G]AATTTTTCTAATAACTAAAGAGGGGAAAGAAAAAAATGATTTTTTGTGTGTCTAGCTAAA-3'
Protein context (NP_114432.2, residues 694-714): FLPSYKLLEK[Leu704Phe]KERWLSTGLW

ClinVar aggregate classification (germline): Uncertain significance (1 of 4 stars; one submission).

Conditions:
Hereditary cancer-predisposing syndrome. Also called: Neoplastic Syndromes, Hereditary; Tumor predisposition; Hereditary Cancer Syndrome; Hereditary neoplastic syndrome. Identifiers: Orphanet 140162, MedGen C0027672, MeSH D009386, MONDO:0015356.

Submission:

Ambry Genetics
Classification: Uncertain significance for Hereditary cancer-predisposing syndrome. Last evaluated: 2022-01-21. Review status: criteria provided, single submitter. Criteria: Ambry Variant Classification Scheme 2023. Collection method: clinical testing. Allele origin: germline.
Comment: The p.L704F variant (also known as c.2112A>C), located in coding exon 14 of the BRIP1 gene, results from an A to C substitution at nucleotide position 2112. The leucine at codon 704 is replaced by phenylalanine, an amino acid with highly similar properties. This amino acid position is conserved. In addition, the in silico prediction for this alteration is inconclusive. Since supporting evidence is limited at this time, the clinical significance of this alteration remains unclear.